The following is an entry in ClinVar:

NM_033629.6(TREX1):c.856G>A (p.Gly286Arg)

Genes: ATRIP (ATR interacting protein; plus strand), ATRIP-TREX1 (ATRIP-TREX1 readthrough; plus strand), TREX1 (three prime repair exonuclease 1; plus strand). Cytogenetic location: 3p21.31.
Variant type: single nucleotide variant.
Coding change: c.856G>A on transcript NM_033629.6 (MANE Select); coding-DNA position 856, G replaced by A.
Protein change: p.Gly286Arg; replaces glycine 286 with arginine.
Molecular consequence: missense variant. On other transcripts: non-coding transcript variant (1), 3 prime UTR variant (4).
Genome position (GRCh38, 1-based): chr3:48,467,511, G>A. VCF-style: chr3-48467511-G-A. GRCh37 (hg19) VCF-style: chr3-48508910-G-A.
Other names: c.826G>A, p.Gly276Arg (NM_007248.5); c.*1957G>A (NM_001271022.2, NM_001271023.2, NM_032166.4 and 1 more transcripts); short protein forms G276R, G286R.
Identifiers: ClinVar variation 2653792 (VCV002653792.24), dbSNP rs1252684249, ClinGen allele CA352619986.

ClinVar aggregate classification (germline): Uncertain significance (1 of 4 stars; one submission).

Allele frequency attached by ClinVar (database versions not stated): TOPMed below 0.00001.
gnomAD v4.1: 2 of 1,614,052 alleles (0.00012%); no homozygotes.

Submission:

CeGaT Center for Human Genetics Tuebingen
Classification: Uncertain significance. Last evaluated: 2022-09-01. Review status: criteria provided, single submitter. Criteria: CeGaT Center For Human Genetics Tuebingen Variant Classification Criteria Version 2. Collection method: clinical testing. Allele origin: germline. Affected: yes. Observed: 1 variant allele.
Comment: TREX1: PM2, BP4